The following is an entry in ClinVar:

NM_194294.5(IDO2):c.1038T>A (p.Tyr346Ter)

Gene: IDO2 (indoleamine 2,3-dioxygenase 2; plus strand). Cytogenetic location: 8p11.21.
Variant type: single nucleotide variant.
Coding change: c.1038T>A on transcript NM_194294.5 (MANE Select); coding-DNA position 1038, T replaced by A.
Protein change: p.Tyr346Ter; replaces tyrosine 346 with a stop codon.
Molecular consequence: nonsense.
Genome position (GRCh38, 1-based): chr8:40,015,416, T>A. VCF-style: chr8-40015416-T-A. GRCh37 (hg19) VCF-style: chr8-39872935-T-A.
Other names: c.1038T>A, p.Tyr346Ter (NM_001395206.1); short protein forms Y346*.
Identifiers: ClinVar variation 1229251 (VCV001229251.5), dbSNP rs4503083, ClinGen allele CA4725373.
Genomic context (GRCh38, chr8:40,015,416, plus strand): 5'-GGACCACTTGCTGACAGCTTATAACCAGTGTGTGCAGGCCCTGGCAGAGCTGCGGAGCTA[T>A]CACATCACCATGGTCACCAAATACCTCATCACAGCTGCAGCCAAGGCAAAGCATGGGAAG-3'

ClinVar aggregate classification (germline): Benign. Review status: criteria provided, multiple submitters, no conflicts (2 of 4 stars). 2 submissions from 2 submitters: Benign (2). Last evaluated 2019-01-10.

Allele frequency attached by ClinVar (database versions not stated): ESP Exome Variant Server 0.17502; gnomAD 0.19204 and 0.19519; TOPMed 0.20038; gnomAD exomes 0.22727 and 0.20826; 1000 Genomes Project 0.22983; ExAC 0.22566; 1000 Genomes Project 30x 0.23142.
gnomAD v4.1: 334,010 of 1,613,680 alleles (21%); highest among the groups gnomAD compares: East Asian, 37%; 35,935 homozygotes.

Submissions (2):

GeneDx
Classification: Benign. Last evaluated: 2019-01-10. Review status: criteria provided, single submitter. Criteria: GeneDx Variant Classification Process June 2021. Collection method: clinical testing. Allele origin: germline. Affected: yes.
Comment: This variant is associated with the following publications: (PMID: 25541686, 17671174)

Breakthrough Genomics
Classification: Benign. Review status: criteria provided, single submitter. Criteria: ACMG Guidelines, 2015. Collection method: not provided. Allele origin: germline. Inheritance: Unknown mechanism. Affected: yes.